The following is an entry in ClinVar:

NM_001061.7(TBXAS1):c.370G>A (p.Val124Ile)

Gene: TBXAS1 (thromboxane A synthase 1; plus strand). Cytogenetic location: 7q34.
Variant type: single nucleotide variant.
Coding change: c.370G>A on transcript NM_001061.7 (MANE Select); coding-DNA position 370, G replaced by A.
Protein change: p.Val124Ile; replaces valine 124 with isoleucine.
Molecular consequence: missense variant.
Genome position (GRCh38, 1-based): chr7:139,936,227, G>A. VCF-style: chr7-139936227-G-A. GRCh37 (hg19) VCF-style: chr7-139636026-G-A.
Other names: c.370G>A, p.Val124Ile (NM_001130966.5, NM_001166253.4, NM_030984.6); c.169G>A, p.Val57Ile (NM_001166254.4); c.313G>A, p.Val105Ile (NM_001314028.4); c.187G>A, p.Val63Ile (NM_001366537.3); short protein forms V105I, V124I, V57I, V63I.
Identifiers: ClinVar variation 1610311 (VCV001610311.14), dbSNP rs8192833, ClinGen allele CA4511617.

ClinVar aggregate classification (germline): Conflicting classifications of pathogenicity. Review status: criteria provided, conflicting classifications (1 of 4 stars). 3 submissions from 3 submitters: Uncertain significance (1); Likely benign (2). Last evaluated 2025-12-01.

Allele frequency attached by ClinVar (database versions not stated): gnomAD 0.00006 and 0.00009; ExAC 0.00007; gnomAD exomes 0.00008; 1000 Genomes Project 30x 0.00016; 1000 Genomes Project 0.00020; TOPMed 0.00004.
gnomAD v4.1: 128 of 1,614,178 alleles (0.0079%); highest among the groups gnomAD compares: Middle Eastern, 0.12%; no homozygotes.

Submissions (3):

CeGaT Center for Human Genetics Tuebingen
Classification: Uncertain significance. Last evaluated: 2025-12-01. Review status: criteria provided, single submitter. Criteria: CeGaT Center For Human Genetics Tuebingen Variant Classification Criteria Version 2. Collection method: clinical testing. Allele origin: germline. Affected: yes. Observed: 1 variant allele.
Comment: TBXAS1: PM2, BP4

Labcorp Genetics (formerly Invitae), Labcorp
Classification: Likely benign. Last evaluated: 2025-10-14. Review status: criteria provided, single submitter. Criteria: Invitae Variant Classification Sherloc (09022015). Collection method: clinical testing. Allele origin: germline.

Blueprint Genetics
Classification: Likely benign. Last evaluated: 2023-12-15. Review status: criteria provided, single submitter. Criteria: ACMG Guidelines, 2015. Collection method: clinical testing. Allele origin: germline.